The following is an entry in ClinVar:

ClinVar aggregate classification (germline): Pathogenic (1 of 4 stars; one submission).

Conditions:
Neurofibromatosis, type 1 (NF1). Also called: VON RECKLINGHAUSEN DISEASE; NEUROFIBROMATOSIS, TYPE I, SOMATIC; Peripheral type neurofibromatosis; Neurofibromatosis, type I. Identifiers: Orphanet 636, MedGen C0027831, MONDO:0018975, OMIM 162200. Disease mechanism: loss of function.

Submission:

Labcorp Genetics (formerly Invitae), Labcorp
Classification: Pathogenic for Neurofibromatosis, type 1. Last evaluated: 2018-10-21. Review status: criteria provided, single submitter. Criteria: Invitae Variant Classification Sherloc (09022015). Collection method: clinical testing. Allele origin: germline.
Comment: This sequence change creates a premature translational stop signal (p.Thr1245Phefs*15) in the NF1 gene. It is expected to result in an absent or disrupted protein product. Loss-of-function variants in NF1 are known to be pathogenic (PMID: 10712197, 23913538). For these reasons, this variant has been classified as Pathogenic. This variant has not been reported in the literature in individuals with NF1-related disease. This variant is not present in population databases (ExAC no frequency).

Literature cited by the submitters: PubMed 10712197; PubMed 23913538.

NM_001042492.3(NF1):c.3732_3742del (p.Thr1245fs)

Gene: NF1 (neurofibromin 1; plus strand). Cytogenetic location: 17q11.2.
Variant type: Deletion.
Coding change: c.3732_3742del on transcript NM_001042492.3 (MANE Select); coding-DNA positions 3732 to 3742, 11 bases deleted (TACTCTGTTTG).
Protein change: p.Thr1245fs; shifts the reading frame from threonine 1245.
Molecular consequence: frameshift variant.
Genome position (GRCh38, 1-based): chr17:31,235,634-31,235,644, TACTCTGTTTG deleted. VCF-style (leftmost placement, unchanged base first): chr17-31235633-TTACTCTGTTTG-T. GRCh37 (hg19) VCF-style: chr17-29562651-TTACTCTGTTTG-T.
Other names: c.3732_3742delTACTCTGTTTG, p.Thr1245Phefs (NM_000267.4); c.3732_3742delTACTCTGTTTG (NM_000267.3); short protein forms T1245fs.
Identifiers: ClinVar variation 664141 (VCV000664141.5), dbSNP rs1597722429, ClinGen allele CA915949931.